The following is an entry in ClinVar:

ClinVar aggregate classification (germline): Uncertain significance (1 of 4 stars; one submission).

Allele frequency attached by ClinVar (database versions not stated): gnomAD exomes 0.00001; ExAC 0.00003; TOPMed 0.00005; gnomAD 0.00007; ESP Exome Variant Server 0.00008.
gnomAD v4.1: 24 of 1,600,730 alleles (0.0015%); highest among the groups gnomAD compares: African/African-American, 0.012%; no homozygotes.

Submission:

Labcorp Genetics (formerly Invitae), Labcorp
Classification: Uncertain significance. Last evaluated: 2024-08-08. Review status: criteria provided, single submitter. Criteria: Invitae Variant Classification Sherloc (09022015). Collection method: clinical testing. Allele origin: germline.
Comment: This sequence change replaces glycine, which is neutral and non-polar, with serine, which is neutral and polar, at codon 315 of the IGF1R protein (p.Gly315Ser). This variant is present in population databases (rs201956526, gnomAD 0.02%). This variant has not been reported in the literature in individuals affected with IGF1R-related conditions. An algorithm developed to predict the effect of missense changes on protein structure and function outputs the following: PolyPhen-2: "Benign". The serine amino acid residue is found in multiple mammalian species, which suggests that this missense change does not adversely affect protein function. In summary, the available evidence is currently insufficient to determine the role of this variant in disease. Therefore, it has been classified as a Variant of Uncertain Significance.

NM_000875.5(IGF1R):c.943G>A (p.Gly315Ser)

Gene: IGF1R (insulin like growth factor 1 receptor; plus strand). Cytogenetic location: 15q26.3.
Variant type: single nucleotide variant.
Coding change: c.943G>A on transcript NM_000875.5 (MANE Select); coding-DNA position 943, G replaced by A.
Protein change: p.Gly315Ser; replaces glycine 315 with serine.
Molecular consequence: missense variant.
Genome position (GRCh38, 1-based): chr15:98,891,627, G>A. VCF-style: chr15-98891627-G-A. GRCh37 (hg19) VCF-style: chr15-99434856-G-A.
Other names: c.943G>A, p.Gly315Ser (NM_001291858.2); short protein forms G315S.
Identifiers: ClinVar variation 2894126 (VCV002894126.3), dbSNP rs201956526, ClinGen allele CA7751950.